The following is an entry in ClinVar:

ClinVar aggregate classification (germline): Uncertain significance (1 of 4 stars; one submission).

gnomAD v4.1: 7 of 1,614,030 alleles (0.00043%); highest among the groups gnomAD compares: East Asian, 0.0022%; no homozygotes.

Submission:

Women's Health and Genetics/Laboratory Corporation of America, LabCorp
Classification: Uncertain significance. Last evaluated: 2025-07-16. Review status: criteria provided, single submitter. Criteria: LabCorp Variant Classification Summary - May 2015. Collection method: clinical testing. Allele origin: germline.
Comment: Variant summary: TRPS1 c.2617G>A (p.Gly873Arg) results in a non-conservative amino acid change in the encoded protein sequence. Algorithms developed to predict the effect of missense changes on protein structure and function all suggest that this variant is likely to be disruptive. The variant was absent in 248466 control chromosomes. The available data on variant occurrences in the general population are insufficient to allow any conclusion about variant significance. To our knowledge, no occurrence of c.2617G>A in individuals affected with TRPS1-Related Disorders and no experimental evidence demonstrating its impact on protein function have been reported. No submitters have cited clinical-significance assessments for this variant to ClinVar. Based on the evidence outlined above, the variant was classified as uncertain significance.

NM_014112.5(TRPS1):c.2617G>A (p.Gly873Arg)

Gene: TRPS1 (transcriptional repressor GATA binding 1; minus strand). Cytogenetic location: 8q23.3.
Variant type: single nucleotide variant.
Coding change: c.2617G>A on transcript NM_014112.5 (MANE Select); coding-DNA position 2617, G replaced by A.
Protein change: p.Gly873Arg; replaces glycine 873 with arginine.
Molecular consequence: missense variant.
Genome position (GRCh38, 1-based): chr8:115,587,084, C>T on the plus strand (G>A on the coding strand, the complement: TRPS1 is on the minus strand). VCF-style: chr8-115587084-C-T. GRCh37 (hg19) VCF-style: chr8-116599311-C-T.
Other names: c.2590G>A, p.Gly864Arg (NM_001282902.3); c.2596G>A, p.Gly866Arg (NM_001282903.3); c.2578G>A, p.Gly860Arg (NM_001330599.2); short protein forms G873R, G860R, G864R, G866R.
Identifiers: ClinVar variation 4525868 (VCV004525868.1).